The following is an entry in ClinVar:

ClinVar aggregate classification (germline): Uncertain significance (1 of 4 stars; one submission).

Submission:

Labcorp Genetics (formerly Invitae), Labcorp
Classification: Uncertain significance. Last evaluated: 2024-03-21. Review status: criteria provided, single submitter. Criteria: Invitae Variant Classification Sherloc (09022015). Collection method: clinical testing. Allele origin: germline.
Comment: This sequence change creates a premature translational stop signal (p.Gln363*) in the OAS1 gene. While this is not anticipated to result in nonsense mediated decay, it is expected to disrupt the last 38 amino acid(s) of the OAS1 protein. This variant is not present in population databases (gnomAD no frequency). This variant has not been reported in the literature in individuals affected with OAS1-related conditions. Algorithms developed to predict the effect of sequence changes on RNA splicing suggest that this variant may disrupt the consensus splice site. In summary, the available evidence is currently insufficient to determine the role of this variant in disease. Therefore, it has been classified as a Variant of Uncertain Significance.

NM_016816.4(OAS1):c.1087C>T (p.Gln363Ter)

Gene: OAS1 (2'-5'-oligoadenylate synthetase 1; plus strand). Cytogenetic location: 12q24.13.
Variant type: single nucleotide variant.
Coding change: c.1087C>T on transcript NM_016816.4 (MANE Select); coding-DNA position 1087, C replaced by T.
Protein change: p.Gln363Ter; replaces glutamine 363 with a stop codon.
Molecular consequence: nonsense. On other transcripts: 3 prime UTR variant (5), non-coding transcript variant (7), intron variant (5).
Genome position (GRCh38, 1-based): chr12:112,919,437, C>T. VCF-style: chr12-112919437-C-T. GRCh37 (hg19) VCF-style: chr12-113357242-C-T.
Other names: c.1063C>T, p.Gln355Ter (NM_001406021.1); c.*724C>T (NM_001406022.1, NM_001406023.1, NM_001406029.1); c.*1680C>T (NM_001406024.1, NM_001406030.1); c.613C>T, p.Gln205Ter (NM_001406027.1); c.1038+1737C>T (NM_001320151.2); c.1014+1737C>T (NM_001406025.1); c.1039-50C>T (NM_001032409.3); c.1015-50C>T (NM_001406020.1); and 1 more; short protein forms Q363*, Q205*, Q355*.
Identifiers: ClinVar variation 3647216 (VCV003647216.2).